The following is an entry in ClinVar:

NM_001077653.2(TBX20):c.509T>A (p.Leu170Gln)

Gene: TBX20 (T-box transcription factor 20; minus strand). Cytogenetic location: 7p14.2.
Variant type: single nucleotide variant.
Coding change: c.509T>A on transcript NM_001077653.2 (MANE Select); coding-DNA position 509, T replaced by A.
Protein change: p.Leu170Gln; replaces leucine 170 with glutamine.
Molecular consequence: missense variant.
Genome position (GRCh38, 1-based): chr7:35,248,713, A>T on the plus strand (T>A on the coding strand, the complement: TBX20 is on the minus strand). VCF-style: chr7-35248713-A-T. GRCh37 (hg19) VCF-style: chr7-35288325-A-T.
Other names: c.509T>A, p.Leu170Gln (NM_001166220.1); short protein forms L170Q.
Identifiers: ClinVar variation 1745327 (VCV001745327.3), dbSNP rs1488009939, ClinGen allele CA367264584.

ClinVar aggregate classification (germline): Uncertain significance (1 of 4 stars; one submission).

Conditions:
Cardiovascular phenotype. Identifiers: MedGen CN230736.

Allele frequency attached by ClinVar (database versions not stated): TOPMed below 0.00001; gnomAD 0.00001.

Submission:

Ambry Genetics
Classification: Uncertain significance for Cardiovascular phenotype. Last evaluated: 2023-02-16. Review status: criteria provided, single submitter. Criteria: Ambry Variant Classification Scheme 2023. Collection method: clinical testing. Allele origin: germline.
Comment: The p.L170Q variant (also known as c.509T>A), located in coding exon 3 of the TBX20 gene, results from a T to A substitution at nucleotide position 509. The leucine at codon 170 is replaced by glutamine, an amino acid with dissimilar properties. This amino acid position is highly conserved in available vertebrate species. In addition, this alteration is predicted to be deleterious by in silico analysis. Since supporting evidence is limited at this time, the clinical significance of this alteration remains unclear.